The following is an entry in ClinVar:

NM_001330311.2(DVL1):c.1751G>A (p.Arg584Gln)

Gene: DVL1 (dishevelled segment polarity protein 1; minus strand). Cytogenetic location: 1p36.33.
Variant type: single nucleotide variant.
Coding change: c.1751G>A on transcript NM_001330311.2 (MANE Select); coding-DNA position 1751, G replaced by A.
Protein change: p.Arg584Gln; replaces arginine 584 with glutamine.
Molecular consequence: missense variant.
Genome position (GRCh38, 1-based): chr1:1,336,479, C>T on the plus strand (G>A on the coding strand, the complement: DVL1 is on the minus strand). VCF-style: chr1-1336479-C-T. GRCh37 (hg19) VCF-style: chr1-1271859-C-T.
Other names: c.1676G>A, p.Arg559Gln (NM_004421.3); short protein forms R584Q, R559Q.
Identifiers: ClinVar variation 4769067 (VCV004769067.1).

ClinVar aggregate classification (germline): Uncertain significance (1 of 4 stars; one submission).

gnomAD v4.1: 8 of 1,547,888 alleles (0.00052%); highest among the groups gnomAD compares: African/African-American, 0.0028%; no homozygotes.

Submission:

Labcorp Genetics (formerly Invitae), Labcorp
Classification: Uncertain significance. Last evaluated: 2025-02-13. Review status: criteria provided, single submitter. Criteria: Invitae Variant Classification Sherloc (09022015). Collection method: clinical testing. Allele origin: germline.
Comment: This sequence change replaces arginine, which is basic and polar, with glutamine, which is neutral and polar, at codon 559 of the DVL1 protein (p.Arg559Gln). This variant is not present in population databases (gnomAD no frequency). This variant has not been reported in the literature in individuals affected with DVL1-related conditions. Invitae Evidence Modeling of protein sequence and biophysical properties (such as structural, functional, and spatial information, amino acid conservation, physicochemical variation, residue mobility, and thermodynamic stability) indicates that this missense variant is not expected to disrupt DVL1 protein function with a negative predictive value of 80%. In summary, the available evidence is currently insufficient to determine the role of this variant in disease. Therefore, it has been classified as a Variant of Uncertain Significance.